The following is an entry in ClinVar:

ClinVar aggregate classification (germline): Likely benign (0 of 4 stars; one submission).

Conditions:
PLXNA3-related disorder. Also called: PLXNA3-related condition.

Allele frequency attached by ClinVar (database versions not stated): gnomAD exomes 0.00001; TOPMed 0.00002; ExAC 0.00003.

Submission:

PreventionGenetics, part of Exact Sciences
Classification: Likely benign for PLXNA3-related condition. Last evaluated: 2022-08-03. Review status: no assertion criteria provided. Collection method: clinical testing. Allele origin: germline.
Comment: This variant is classified as likely benign based on ACMG/AMP sequence variant interpretation guidelines (Richards et al. 2015 PMID: 25741868, with internal and published modifications).

NM_017514.5(PLXNA3):c.735C>G (p.Thr245=)

Gene: PLXNA3 (plexin A3; plus strand). Cytogenetic location: Xq28.
Variant type: single nucleotide variant.
Coding change: c.735C>G on transcript NM_017514.5 (MANE Select); coding-DNA position 735, C replaced by G.
Protein change: p.Thr245=; no amino-acid change (threonine 245 retained).
Molecular consequence: synonymous variant.
Genome position (GRCh38, 1-based): chrX:154,461,239, C>G. VCF-style: chrX-154461239-C-G. GRCh37 (hg19) VCF-style: chrX-153689579-C-G.
Identifiers: ClinVar variation 3061547 (VCV003061547.2), dbSNP rs782675595, ClinGen allele CA10563795.